The following is an entry in ClinVar:

NM_002204.4(ITGA3):c.1776C>A (p.Asp592Glu)

Gene: ITGA3 (integrin subunit alpha 3; plus strand). Cytogenetic location: 17q21.33.
Variant type: single nucleotide variant.
Coding change: c.1776C>A on transcript NM_002204.4 (MANE Select); coding-DNA position 1776, C replaced by A.
Protein change: p.Asp592Glu; replaces aspartic acid 592 with glutamic acid.
Molecular consequence: missense variant.
Genome position (GRCh38, 1-based): chr17:50,076,427, C>A. VCF-style: chr17-50076427-C-A. GRCh37 (hg19) VCF-style: chr17-48153791-C-A.
Other names: short protein forms D592E.
Identifiers: ClinVar variation 1964839 (VCV001964839.5), dbSNP rs147491290, ClinGen allele CA8641672.
Genomic context (GRCh38, chr17:50,076,427, plus strand): 5'-GAACTACTCTTTACCTTTGCGGATGCCCGATCGCCCCCGGCTGGGGCTGCGGTCCCTGGA[C>A]GCCTACCCGATCCTCAACCAGGCACAGGCTCTGGAGAACCACACTGAGGTGAGTGGGGCT-3'
Protein context (NP_002195.1, residues 582-602): DRPRLGLRSL[Asp592Glu]AYPILNQAQA

ClinVar aggregate classification (germline): Uncertain significance (1 of 4 stars; one submission).

Allele frequency attached by ClinVar (database versions not stated): 1000 Genomes Project 30x 0.00016; 1000 Genomes Project 0.00020.

Submission:

Labcorp Genetics (formerly Invitae), Labcorp
Classification: Uncertain significance. Last evaluated: 2022-06-26. Review status: criteria provided, single submitter. Criteria: Invitae Variant Classification Sherloc (09022015). Collection method: clinical testing. Allele origin: germline.
Comment: This sequence change replaces aspartic acid, which is acidic and polar, with glutamic acid, which is acidic and polar, at codon 592 of the ITGA3 protein (p.Asp592Glu). The frequency data for this variant in the population databases is considered unreliable, as metrics indicate poor data quality at this position in the gnomAD database. This variant has not been reported in the literature in individuals affected with ITGA3-related conditions. Algorithms developed to predict the effect of missense changes on protein structure and function are either unavailable or do not agree on the potential impact of this missense change (SIFT: "Tolerated"; PolyPhen-2: "Probably Damaging"; Align-GVGD: "Class C0"). In summary, the available evidence is currently insufficient to determine the role of this variant in disease. Therefore, it has been classified as a Variant of Uncertain Significance.